The following is an entry in ClinVar:

NM_004260.4(RECQL4):c.2003C>A (p.Ala668Asp)

Gene: RECQL4 (RecQ like helicase 4; minus strand). Cytogenetic location: 8q24.3.
Variant type: single nucleotide variant.
Coding change: c.2003C>A on transcript NM_004260.4 (MANE Select); coding-DNA position 2003, C replaced by A.
Protein change: p.Ala668Asp; replaces alanine 668 with aspartic acid.
Molecular consequence: missense variant.
Genome position (GRCh38, 1-based): chr8:144,513,983, G>T on the plus strand (C>A on the coding strand, the complement: RECQL4 is on the minus strand). VCF-style: chr8-144513983-G-T. GRCh37 (hg19) VCF-style: chr8-145739367-G-T.
Other names: c.2003C>A (NM_004260.3); short protein forms A668D.
Identifiers: ClinVar variation 1003006 (VCV001003006.6), dbSNP rs865819673, ClinGen allele CA187684435.

ClinVar aggregate classification (germline): Uncertain significance. Review status: criteria provided, multiple submitters, no conflicts (2 of 4 stars). 2 submissions from 2 submitters: Uncertain significance (2). Last evaluated 2025-04-19.

Conditions:
Baller-Gerold syndrome (BGS). Also called: CRANIOSYNOSTOSIS WITH RADIAL DEFECTS. Identifiers: Orphanet 1225, MedGen C0265308, MONDO:0009039, OMIM 218600.
Inborn genetic diseases. Identifiers: MedGen C0950123, MeSH D030342.

Allele frequency attached by ClinVar (database versions not stated): TOPMed below 0.00001.
gnomAD v4.1: 1 of 1,565,270 alleles (0.000064%); highest among the groups gnomAD compares: African/African-American, 0.0014%; no homozygotes.

Submissions (2):

Ambry Genetics
Classification: Uncertain significance for Inborn genetic diseases. Last evaluated: 2025-04-19. Review status: criteria provided, single submitter. Criteria: Ambry Variant Classification Scheme 2023. Collection method: clinical testing. Allele origin: germline.
Comment: The p.A668D variant (also known as c.2003C>A), located in coding exon 12 of the RECQL4 gene, results from a C to A substitution at nucleotide position 2003. The alanine at codon 668 is replaced by aspartic acid, an amino acid with dissimilar properties. This amino acid position is conserved. In addition, this alteration is predicted to be tolerated by in silico analysis. Based on the available evidence, the clinical significance of this variant remains unclear.

Labcorp Genetics (formerly Invitae), Labcorp
Classification: Uncertain significance for Baller-Gerold syndrome. Last evaluated: 2023-10-17. Review status: criteria provided, single submitter. Criteria: Invitae Variant Classification Sherloc (09022015). Collection method: clinical testing. Allele origin: germline.
Comment: This sequence change replaces alanine, which is neutral and non-polar, with aspartic acid, which is acidic and polar, at codon 668 of the RECQL4 protein (p.Ala668Asp). This variant is not present in population databases (gnomAD no frequency). This variant has not been reported in the literature in individuals affected with RECQL4-related conditions. ClinVar contains an entry for this variant (Variation ID: 1003006). Advanced modeling of protein sequence and biophysical properties (such as structural, functional, and spatial information, amino acid conservation, physicochemical variation, residue mobility, and thermodynamic stability) has been performed at Invitae for this missense variant, however the output from this modeling did not meet the statistical confidence thresholds required to predict the impact of this variant on RECQL4 protein function. In summary, the available evidence is currently insufficient to determine the role of this variant in disease. Therefore, it has been classified as a Variant of Uncertain Significance.